The following is an entry in ClinVar:

ClinVar aggregate classification (germline): Uncertain significance. Review status: criteria provided, single submitter (1 of 4 stars). 2 submissions from 2 submitters: Uncertain significance (1). 1 of the submissions does not count toward it. Last evaluated 2024-05-20.

Conditions:
Nemaline myopathy 2 (NEM2). Also called: Nemaline myopathy 2, autosomal recessive. Identifiers: MedGen C1850569, MONDO:0009725, OMIM 256030.

Allele frequency attached by ClinVar (database versions not stated): gnomAD exomes below 0.00001.
gnomAD v4.1: 2 of 1,614,100 alleles (0.00012%); highest among the groups gnomAD compares: Admixed American, 0.0033%; no homozygotes.

Submissions (2):

GeneDx
Classification: Uncertain significance. Last evaluated: 2024-05-20. Review status: criteria provided, single submitter. Criteria: GeneDx Variant Classification Process June 2021. Collection method: clinical testing. Allele origin: germline. Affected: yes.
Comment: Not observed at significant frequency in large population cohorts (gnomAD); Nonsense variant predicted to result in protein truncation as the last 25 amino acids are lost, although loss-of-function variants have not been reported downstream of this position in the protein; Has not been previously published as pathogenic or benign to our knowledge

Counsyl
Classification: Uncertain significance for Nemaline myopathy 2. Last evaluated: 2017-08-30. Review status: no assertion criteria provided. Collection method: clinical testing. Allele origin: unknown. Not counted in ClinVar's aggregate classification.

Literature cited by the submitters: PubMed 11309420 (cited by Counsyl); PubMed 21148390 (cited by Counsyl); PubMed 10931867 (cited by Counsyl); PubMed 7739042 (cited by Counsyl); PubMed 11994971 (cited by Counsyl); PubMed 11851340 (cited by Counsyl); PubMed 24046450 (cited by Counsyl).

NM_001164508.2(NEB):c.25501G>T (p.Glu8501Ter)

Genes: NEB (nebulin; minus strand), RIF1 (replication timing regulatory factor 1; plus strand). Cytogenetic location: 2q23.3.
Variant type: single nucleotide variant.
Coding change: c.25501G>T on transcript NM_001164508.2 (MANE Select); coding-DNA position 25501, G replaced by T.
Protein change: p.Glu8501Ter; replaces glutamic acid 8501 with a stop codon.
Molecular consequence: nonsense.
Genome position (GRCh38, 1-based): chr2:151,485,837, C>A on the plus strand (G>T on the coding strand, the complement: NEB is on the minus strand). VCF-style: chr2-151485837-C-A. GRCh37 (hg19) VCF-style: chr2-152342351-C-A.
Other names: c.25501G>T, p.Glu8501Ter (NM_001164507.2); c.25606G>T, p.Glu8536Ter (NM_001271208.2); c.19933G>T, p.Glu6645Ter (NM_004543.5); short protein forms E8536*, E6645*, E8501*.
Identifiers: ClinVar variation 553603 (VCV000553603.3), dbSNP rs1304300842, ClinGen allele CA348769861.